The following is an entry in ClinVar:

ClinVar aggregate classification (germline): Uncertain significance (1 of 4 stars; one submission).

Allele frequency attached by ClinVar (database versions not stated): ExAC 0.00003.
gnomAD v4.1: 32 of 1,613,522 alleles (0.002%); highest among the groups gnomAD compares: South Asian, 0.034%; no homozygotes.

Submission:

Labcorp Genetics (formerly Invitae), Labcorp
Classification: Uncertain significance. Last evaluated: 2026-01-08. Review status: criteria provided, single submitter. Criteria: Invitae Variant Classification Sherloc (09022015). Collection method: clinical testing. Allele origin: germline.
Comment: This sequence change replaces alanine, which is neutral and non-polar, with serine, which is neutral and polar, at codon 1042 of the SZT2 protein (p.Ala1042Ser). This variant is present in population databases (rs760581304, gnomAD 0.02%). This variant has not been reported in the literature in individuals affected with SZT2-related conditions. ClinVar contains an entry for this variant (Variation ID: 1023778). Invitae Evidence Modeling of protein sequence and biophysical properties (such as structural, functional, and spatial information, amino acid conservation, physicochemical variation, residue mobility, and thermodynamic stability) indicates that this missense variant is not expected to disrupt SZT2 protein function with a negative predictive value of 80%. In summary, the available evidence is currently insufficient to determine the role of this variant in disease. Therefore, it has been classified as a Variant of Uncertain Significance.

NM_001365999.1(SZT2):c.3295G>T (p.Ala1099Ser)

Gene: SZT2 (SZT2 subunit of KICSTOR complex; plus strand). Cytogenetic location: 1p34.2.
Variant type: single nucleotide variant.
Coding change: c.3295G>T on transcript NM_001365999.1 (MANE Select); coding-DNA position 3295, G replaced by T.
Protein change: p.Ala1099Ser; replaces alanine 1099 with serine.
Molecular consequence: missense variant.
Genome position (GRCh38, 1-based): chr1:43,426,795, G>T. VCF-style: chr1-43426795-G-T. GRCh37 (hg19) VCF-style: chr1-43892466-G-T.
Other names: c.3124G>T, p.Ala1042Ser (NM_015284.4); short protein forms A1042S, A1099S.
Identifiers: ClinVar variation 1023778 (VCV001023778.7), dbSNP rs760581304, ClinGen allele CA808936.